The following is an entry in ClinVar:

ClinVar aggregate classification (germline): Likely benign. Review status: criteria provided, single submitter (1 of 4 stars). 2 submissions from 2 submitters: Likely benign (1). 1 of the submissions does not count toward it. Last evaluated 2024-12-19.

Conditions:
GALNT3-related disorder. Also called: GALNT3-related condition.

Submissions (2):

Labcorp Genetics (formerly Invitae), Labcorp
Classification: Likely benign. Last evaluated: 2024-12-19. Review status: criteria provided, single submitter. Criteria: Invitae Variant Classification Sherloc (09022015). Collection method: clinical testing. Allele origin: germline.

PreventionGenetics, part of Exact Sciences
Classification: Likely benign for GALNT3-related condition. Last evaluated: 2019-04-25. Review status: no assertion criteria provided. Collection method: clinical testing. Allele origin: germline. Not counted in ClinVar's aggregate classification.
Comment: This variant is classified as likely benign based on ACMG/AMP sequence variant interpretation guidelines (Richards et al. 2015 PMID: 25741868, with internal and published modifications).

NM_004482.4(GALNT3):c.516-5_516-3del

Gene: GALNT3 (polypeptide N-acetylgalactosaminyltransferase 3; minus strand). Cytogenetic location: 2q24.3.
Variant type: Microsatellite.
Coding change: c.516-5_516-3del on transcript NM_004482.4 (MANE Select); 5 bases into the intron before coding-DNA position 516 through 3 bases into the intron before coding-DNA position 516, 3 bases deleted (TCT; older notation c.516-5_516-3delTCT).
Molecular consequence: intron variant.
Genome position (GRCh38, 1-based): chr2:165,765,059-165,765,061, AGA deleted on the plus strand (TCT on the coding strand, the reverse complement: GALNT3 is on the minus strand); deleting any 3 consecutive bases within chr2:165,765,059-165,765,066 gives the same sequence; the c. name uses the placement nearest the transcript's 3' end. VCF-style (leftmost placement, unchanged base first): chr2-165765058-TAGA-T. GRCh37 (hg19) VCF-style: chr2-166621568-TAGA-T.
Other names: c.516-5_516-3delTCT (NM_004482.3).
Identifiers: ClinVar variation 1084441 (VCV001084441.11), dbSNP rs772077939, ClinGen allele CA1941198.